The following is an entry in ClinVar:

ClinVar aggregate classification (germline): Pathogenic (1 of 4 stars; one submission).

Conditions:
Trichorhinophalangeal syndrome, type III (TRPS3). Also called: SUGIO-KAJII SYNDROME. Identifiers: Orphanet 77258, MedGen C1860823, OMIM 190351, MONDO:0008597.
Trichorhinophalangeal dysplasia type I (TRPS1). Also called: TRPS I; TRICHORHINOPHALANGEAL SYNDROME, TYPE I. Identifiers: Orphanet 77258, MedGen C0432233, MONDO:0008596, OMIM 190350.

Submission:

Labcorp Genetics (formerly Invitae), Labcorp
Classification: Pathogenic for Trichorhinophalangeal syndrome, type III; Trichorhinophalangeal dysplasia type I. Last evaluated: 2022-09-21. Review status: criteria provided, single submitter. Criteria: Invitae Variant Classification Sherloc (09022015). Collection method: clinical testing. Allele origin: germline.
Comment: This sequence change creates a premature translational stop signal (p.Arg1077*) in the TRPS1 gene. While this is not anticipated to result in nonsense mediated decay, it is expected to disrupt the last 218 amino acid(s) of the TRPS1 protein. This variant is not present in population databases (gnomAD no frequency). For these reasons, this variant has been classified as Pathogenic. This variant disrupts a region of the TRPS1 protein in which other variant(s) (p.Thr1215Glnfs*27) have been determined to be pathogenic (PMID: 26113321). This suggests that this is a clinically significant region of the protein, and that variants that disrupt it are likely to be disease-causing. This variant has not been reported in the literature in individuals affected with TRPS1-related conditions.

Literature cited by the submitters: PubMed 26113321.

NM_014112.5(TRPS1):c.3229A>T (p.Arg1077Ter)

Gene: TRPS1 (transcriptional repressor GATA binding 1; minus strand). Cytogenetic location: 8q23.3.
Variant type: single nucleotide variant.
Coding change: c.3229A>T on transcript NM_014112.5 (MANE Select); coding-DNA position 3229, A replaced by T.
Protein change: p.Arg1077Ter; replaces arginine 1077 with a stop codon.
Molecular consequence: nonsense.
Genome position (GRCh38, 1-based): chr8:115,414,679, T>A on the plus strand (A>T on the coding strand, the complement: TRPS1 is on the minus strand). VCF-style: chr8-115414679-T-A. GRCh37 (hg19) VCF-style: chr8-116426907-T-A.
Other names: c.3202A>T, p.Arg1068Ter (NM_001282902.3); c.3208A>T, p.Arg1070Ter (NM_001282903.3); c.3190A>T, p.Arg1064Ter (NM_001330599.2); short protein forms R1077*, R1070*, R1068*, R1064*.
Identifiers: ClinVar variation 2031147 (VCV002031147.4), dbSNP rs2536582212, ClinGen allele CA372063225.